The following is an entry in ClinVar:

NM_024649.5(BBS1):c.830+3A>G

Genes: ZDHHC24 (zDHHC palmitoyltransferase 24; minus strand), BBS1 (Bardet-Biedl syndrome 1; plus strand). Cytogenetic location: 11q13.2.
Variant type: single nucleotide variant.
Coding change: c.830+3A>G on transcript NM_024649.5 (MANE Select); 3 bases into the intron after coding-DNA position 830, A replaced by G.
Molecular consequence: intron variant. On other transcripts: 3 prime UTR variant (1).
Genome position (GRCh38, 1-based): chr11:66,521,379, A>G. VCF-style: chr11-66521379-A-G. GRCh37 (hg19) VCF-style: chr11-66288850-A-G.
Other names: c.*109T>C (NM_001348571.2).
Identifiers: ClinVar variation 389029 (VCV000389029.7), dbSNP rs747229201, ClinGen allele CA6123508.

ClinVar aggregate classification (germline): Uncertain significance. Review status: criteria provided, multiple submitters, no conflicts (2 of 4 stars). 3 submissions from 3 submitters: Uncertain significance (2). 1 of the submissions does not count toward it. Last evaluated 2026-08-12.

Conditions:
BBS1-related disorder. Also called: BBS1-related condition.
Bardet-Biedl syndrome 1 (BBS1). Identifiers: MedGen C2936862, MONDO:0008854, OMIM 209900. Disease mechanism: loss of function.

Allele frequency attached by ClinVar (database versions not stated): ExAC 0.00002; TOPMed 0.00001; gnomAD exomes 0.00002 and 0.00001; gnomAD 0.00001.
gnomAD v4.1: 31 of 1,613,270 alleles (0.0019%); highest among the groups gnomAD compares: Non-Finnish European, 0.0025%; no homozygotes.

Submissions (3):

PreventionGenetics, part of Exact Sciences
Classification: Uncertain significance for BBS1-related condition. Last evaluated: 2026-08-12. Review status: criteria provided, single submitter. Criteria: ACMG Guidelines, 2015. Collection method: clinical testing. Allele origin: germline.
Comment: The BBS1 c.830+3A>G variant is predicted to interfere with splicing. This variant is predicted to alter splicing based on available splicing prediction programs (SpliceAI, Jaganathan et al. 2019. PubMed ID: 30661751). However, the use of computer prediction programs is not equivalent to functional evidence. This variant is reported in 0.0031% of alleles in individuals of European (Non-Finnish) descent in gnomAD. Although we suspect that this variant may be pathogenic, at this time, the clinical significance of this variant is uncertain due to the absence of conclusive functional and genetic evidence.

GeneDx
Classification: Uncertain significance. Last evaluated: 2016-09-15. Review status: criteria provided, single submitter. Criteria: GeneDx Variant Classification (06012015). Collection method: clinical testing. Allele origin: germline. Affected: yes.
Comment: The c.830+3A>G variant in the BBS1 gene has not been reported previously as a pathogenic variant nor as a benign variant, to our knowledge. This variant is predicted to destroy the splice donor site in intron 3, and is expected to cause abnormal gene splicing. The c.830+3A>G variant was not observed in approximately 6,500 individuals of European and African American ancestry in the NHLBI Exome Sequencing Project, indicating it is not a common benign variant in these populations. We interpret c.830+3A>G as a variant of uncertain significance.

Natera, Inc.
Classification: Uncertain significance for Bardet-Biedl syndrome type 1. Last evaluated: 2019-11-11. Review status: no assertion criteria provided. Collection method: clinical testing. Allele origin: germline. Not counted in ClinVar's aggregate classification.